The following is an entry in ClinVar:

ClinVar aggregate classification (germline): Uncertain significance (1 of 4 stars; one submission).

Conditions:
Breast-ovarian cancer, familial, susceptibility to, 4. Identifiers: Orphanet 145, MedGen C3280345, MONDO:0013669, OMIM 614291.

Submission:

Labcorp Genetics (formerly Invitae), Labcorp
Classification: Uncertain significance for Breast-ovarian cancer, familial, susceptibility to, 4. Last evaluated: 2025-11-24. Review status: criteria provided, single submitter. Criteria: Invitae Variant Classification Sherloc (09022015). Collection method: clinical testing. Allele origin: germline.
Comment: This sequence change replaces glycine, which is neutral and non-polar, with glutamic acid, which is acidic and polar, at codon 100 of the RAD51D protein (p.Gly100Glu). This variant is not present in population databases (gnomAD no frequency). This variant has not been reported in the literature in individuals affected with RAD51D-related conditions. ClinVar contains an entry for this variant (Variation ID: 860824). Invitae Evidence Modeling of protein sequence and biophysical properties (such as structural, functional, and spatial information, amino acid conservation, physicochemical variation, residue mobility, and thermodynamic stability) indicates that this missense variant is expected to disrupt RAD51D protein function with a positive predictive value of 80%. In summary, the available evidence is currently insufficient to determine the role of this variant in disease. Therefore, it has been classified as a Variant of Uncertain Significance.

NM_002878.4(RAD51D):c.299G>A (p.Gly100Glu)

Genes: RAD51L3-RFFL (RAD51L3-RFFL readthrough; minus strand), RAD51D (RAD51 paralog D; minus strand). Cytogenetic location: 17q12.
Variant type: single nucleotide variant.
Coding change: c.299G>A on transcript NM_002878.4 (MANE Select); coding-DNA position 299, G replaced by A.
Protein change: p.Gly100Glu; replaces glycine 100 with glutamic acid.
Molecular consequence: missense variant. On other transcripts: non-coding transcript variant (2), intron variant (1).
Genome position (GRCh38, 1-based): chr17:35,107,412, C>T on the plus strand (G>A on the coding strand, the complement: RAD51D is on the minus strand). VCF-style: chr17-35107412-C-T. GRCh37 (hg19) VCF-style: chr17-33434431-C-T.
Other names: c.359G>A, p.Gly120Glu (NM_001142571.2); c.145-931G>A (NM_133629.3); short protein forms G100E, G120E.
Identifiers: ClinVar variation 860824 (VCV000860824.9), dbSNP rs2091621042, ClinGen allele CA399089968.